The following is an entry in ClinVar:

NM_000208.4(INSR):c.3079C>T (p.Arg1027Ter)

Gene: INSR (insulin receptor; minus strand). Cytogenetic location: 19p13.2.
Variant type: single nucleotide variant.
Coding change: c.3079C>T on transcript NM_000208.4 (MANE Select); coding-DNA position 3079, C replaced by T.
Protein change: p.Arg1027Ter; replaces arginine 1027 with a stop codon.
Molecular consequence: nonsense.
Genome position (GRCh38, 1-based): chr19:7,125,462, G>A on the plus strand (C>T on the coding strand, the complement: INSR is on the minus strand). VCF-style: chr19-7125462-G-A. GRCh37 (hg19) VCF-style: chr19-7125473-G-A.
Other names: R988*; p.Arg1027*; c.3043C>T, p.Arg1015Ter (NM_001079817.3); short protein forms R1027*, R1015*.
Identifiers: ClinVar variation 14692 (VCV000014692.4), dbSNP rs121913144, ClinGen allele CA124233.
Genomic context (GRCh38, chr19:7,125,462, plus strand): 5'-TGATGATGTCCCTGGCATTGCCCTCATACACCATGCCGAAGGAGCCCTGCCCCAGCTCTC[G>A]AAGGAGGGTGATCTTCTCTCGAGACACCTCCCACTCGTCCGGCACGTACACAGAGCATGG-3'

ClinVar aggregate classification (germline): Pathogenic. Review status: criteria provided, multiple submitters, no conflicts (2 of 4 stars). 5 submissions from 4 submitters: Pathogenic (3). 2 of the submissions do not count toward it. Last evaluated 2026-08-27.

Conditions:
INSR-related disorder.
Rabson-Mendenhall syndrome. Also called: Pineal hyperplasia AND diabetes mellitus syndrome; Pineal Hyperplasia, Insulin-Resistant Diabetes Mellitus, and Somatic Abnormalities; MENDENHALL SYNDROME. Identifiers: Orphanet 769, MedGen C0271695, MONDO:0009874, OMIM 262190.
Insulin-resistant diabetes mellitus AND acanthosis nigricans. Also called: DIABETES MELLITUS, INSULIN-RESISTANT, WITH ACANTHOSIS NIGRICANS, TYPE A; Insulin-resistance syndrome type A; INSULIN RECEPTOR, DEFECT IN, WITH INSULIN-RESISTANT DIABETES MELLITUS AND ACANTHOSIS NIGRICANS; IRAN, TYPE A; type A insulin resistance. Identifiers: Orphanet 2297, MedGen C0342278, MONDO:0012520, OMIM 610549.
Leprechaunism syndrome. Also called: LEPRECHAUNISM; Donohue syndrome. Identifiers: Orphanet 508, MedGen C0265344, MONDO:0009517, OMIM 246200.

Allele frequency attached by ClinVar (database versions not stated): gnomAD exomes below 0.00001; TOPMed below 0.00001; gnomAD 0.00001.
gnomAD v4.1: 4 of 1,613,928 alleles (0.00025%); highest among the groups gnomAD compares: East Asian, 0.0022%; no homozygotes.

Submissions (5):

Department of Molecular Genetics, Istishari Arab Hospital
Classification: Pathogenic for Leprechaunism syndrome. Last evaluated: 2026-08-27. Review status: criteria provided, single submitter. Criteria: ACMG Guidelines, 2015. Collection method: clinical testing. Allele origin: germline. Inheritance: Autosomal recessive inheritance. Affected: no.
Comment: The INSR variant c.3079C>T, p.(Arg1027*) introduces a premature termination codon in exon 17 (of 22 exons) and is expected to result in an absent or disrupted protein product. Loss-of-function variants affecting both INSR alleles are an established cause of severe inherited insulin-resistance disorders (PMID: 12023989 and 26160152). The variant has previously been reported in association with INSR-related insulin resistance (PMID: 2002058 and 27896077). It is classified as pathogenic according to ACMG/AMP/ClinGen SVI guidelines.

Labcorp Genetics (formerly Invitae), Labcorp
Classification: Pathogenic. Last evaluated: 2025-07-15. Review status: criteria provided, single submitter. Criteria: Invitae Variant Classification Sherloc (09022015). Collection method: clinical testing. Allele origin: germline.
Comment: This sequence change creates a premature translational stop signal (p.Arg1027*) in the INSR gene. It is expected to result in an absent or disrupted protein product. Loss-of-function variants in INSR are known to be pathogenic (PMID: 12023989, 26160152). This variant is not present in population databases (gnomAD no frequency). This premature translational stop signal has been observed in individual(s) with INSR associated clinical conditions (PMID: 29431110, 35207755). ClinVar contains an entry for this variant (Variation ID: 14692). For these reasons, this variant has been classified as Pathogenic.

Blueprint Genetics
Classification: Pathogenic for INSR-related disorders. Last evaluated: 2022-09-05. Review status: criteria provided, single submitter. Criteria: ACMG Guidelines, 2015. Collection method: clinical testing. Allele origin: germline. Affected: yes. Observed: 1 variant allele.

OMIM
Classification: Pathogenic for RABSON-MENDENHALL SYNDROME. Last evaluated: 1991-03-15. Review status: no assertion criteria provided. Collection method: literature only. Allele origin: germline. Not counted in ClinVar's aggregate classification.

OMIM
Classification: Pathogenic for DIABETES MELLITUS, INSULIN-RESISTANT, WITH ACANTHOSIS NIGRICANS. Last evaluated: 1991-03-15. Review status: no assertion criteria provided. Collection method: literature only. Allele origin: germline. Not counted in ClinVar's aggregate classification.

Literature cited by the submitters: PubMed 12023989 (cited by Department of Molecular Genetics, Istishari Arab Hospital and Labcorp Genetics (formerly Invitae), Labcorp); PubMed 26160152 (cited by Department of Molecular Genetics, Istishari Arab Hospital and Labcorp Genetics (formerly Invitae), Labcorp); PubMed 2002058 (cited by Department of Molecular Genetics, Istishari Arab Hospital and OMIM); PubMed 27896077 (cited by Department of Molecular Genetics, Istishari Arab Hospital and OMIM); PubMed 29431110 (cited by Labcorp Genetics (formerly Invitae), Labcorp); PubMed 35207755 (cited by Labcorp Genetics (formerly Invitae), Labcorp); PubMed 2121734 (cited by OMIM).